The following is an entry in ClinVar:

NM_006996.3(SLC19A2):c.48C>A (p.Ala16=)

Genes: SLC19A2 (solute carrier family 19 member 2; minus strand), LOC129931894 (ATAC-STARR-seq lymphoblastoid silent region 1546; plus strand). Cytogenetic location: 1q24.2.
Variant type: single nucleotide variant.
Coding change: c.48C>A on transcript NM_006996.3 (MANE Select); coding-DNA position 48, C replaced by A.
Protein change: p.Ala16=; no amino-acid change (alanine 16 retained).
Molecular consequence: synonymous variant.
Genome position (GRCh38, 1-based): chr1:169,485,719, G>T on the plus strand (C>A on the coding strand, the complement: SLC19A2 is on the minus strand). VCF-style: chr1-169485719-G-T. GRCh37 (hg19) VCF-style: chr1-169454957-G-T.
Other names: c.48C>A, p.Ala16= (NM_001319667.1).
Identifiers: ClinVar variation 4534781 (VCV004534781.6).

ClinVar aggregate classification (germline): Likely benign (1 of 4 stars; one submission).

Submission:

CeGaT Center for Human Genetics Tuebingen
Classification: Likely benign. Last evaluated: 2025-10-01. Review status: criteria provided, single submitter. Criteria: CeGaT Center For Human Genetics Tuebingen Variant Classification Criteria Version 2. Collection method: clinical testing. Allele origin: germline. Affected: yes. Observed: 1 variant allele.
Comment: SLC19A2: PM2:Supporting, BP4, BP7